The following is an entry in ClinVar:

NM_198173.3(GRHL3):c.621C>T (p.Leu207=)

Gene: GRHL3 (grainyhead like transcription factor 3; plus strand). Cytogenetic location: 1p36.11.
Variant type: single nucleotide variant.
Coding change: c.621C>T on transcript NM_198173.3 (MANE Select); coding-DNA position 621, C replaced by T.
Protein change: p.Leu207=; no amino-acid change (leucine 207 retained).
Molecular consequence: synonymous variant.
Genome position (GRCh38, 1-based): chr1:24,337,086, C>T. VCF-style: chr1-24337086-C-T. GRCh37 (hg19) VCF-style: chr1-24663576-C-T.
Other names: c.483C>T, p.Leu161= (NM_001195010.2); c.636C>T, p.Leu212= (NM_021180.4); c.621C>T, p.Leu207= (NM_198174.3).
Identifiers: ClinVar variation 3057926 (VCV003057926.2), dbSNP rs200652417, ClinGen allele CA689951.

ClinVar aggregate classification (germline): Likely benign (0 of 4 stars; one submission).

Conditions:
GRHL3-related disorder. Also called: GRHL3-related condition.

Allele frequency attached by ClinVar (database versions not stated): ExAC 0.00002; TOPMed 0.00002; gnomAD 0.00003.
gnomAD v4.1: 41 of 1,613,868 alleles (0.0025%); highest among the groups gnomAD compares: Admixed American, 0.0033%; no homozygotes.

Submission:

PreventionGenetics, part of Exact Sciences
Classification: Likely benign for GRHL3-related condition. Last evaluated: 2024-08-07. Review status: no assertion criteria provided. Collection method: clinical testing. Allele origin: germline.
Comment: This variant is classified as likely benign based on ACMG/AMP sequence variant interpretation guidelines (Richards et al. 2015 PMID: 25741868, with internal and published modifications).